The following is an entry in ClinVar:

NM_000090.4(COL3A1):c.1872G>A (p.Gly624=)

Gene: COL3A1 (collagen type III alpha 1 chain; plus strand). Cytogenetic location: 2q32.2.
Variant type: single nucleotide variant.
Coding change: c.1872G>A on transcript NM_000090.4 (MANE Select); coding-DNA position 1872, G replaced by A.
Protein change: p.Gly624=; no amino-acid change (glycine 624 retained).
Molecular consequence: synonymous variant.
Genome position (GRCh38, 1-based): chr2:188,997,702, G>A. VCF-style: chr2-188997702-G-A. GRCh37 (hg19) VCF-style: chr2-189862428-G-A.
Identifiers: ClinVar variation 918878 (VCV000918878.15), dbSNP rs372901096, ClinGen allele CA074801.

ClinVar aggregate classification (germline): Likely benign. Review status: criteria provided, multiple submitters, no conflicts (2 of 4 stars). 5 submissions from 5 submitters: Likely benign (5). Last evaluated 2026-07-01.

Conditions:
Familial thoracic aortic aneurysm and aortic dissection (TAAD). Also called: Thoracic aortic aneurysms and dissections. Identifiers: Orphanet 91387, MedGen C4707243, MONDO:0019625.
Ehlers-Danlos syndrome, type 4 (EDSVASC). Also called: Ehlers-Danlos Syndrome Type IV; Ehlers-Danlos syndrome vascular type; Ehlers Danlos syndrome, ecchymotic type; Ehlers Danlos syndrome, arterial type; Ehlers Danlos syndrome, Sack-Barabas type. Identifiers: Orphanet 286, MedGen C0268338, MONDO:0017314, OMIM 130050.

Allele frequency attached by ClinVar (database versions not stated): gnomAD exomes below 0.00001; ExAC 0.00001; gnomAD 0.00001; TOPMed 0.00001; ESP Exome Variant Server 0.00008.
gnomAD v4.1: 31 of 1,613,412 alleles (0.0019%); highest among the groups gnomAD compares: Non-Finnish European, 0.002%; no homozygotes.

Submissions (5):

CeGaT Center for Human Genetics Tuebingen
Classification: Likely benign. Last evaluated: 2026-07-01. Review status: criteria provided, single submitter. Criteria: CeGaT Center For Human Genetics Tuebingen Variant Classification Criteria Version 2. Collection method: clinical testing. Allele origin: germline. Affected: yes. Observed: 1 variant allele.
Comment: COL3A1: BP4, BP7

Labcorp Genetics (formerly Invitae), Labcorp
Classification: Likely benign for Ehlers-Danlos syndrome, type 4. Last evaluated: 2025-03-07. Review status: criteria provided, single submitter. Criteria: Invitae Variant Classification Sherloc (09022015). Collection method: clinical testing. Allele origin: germline.

All of Us Research Program, National Institutes of Health
Classification: Likely benign for Ehlers-Danlos syndrome, type 4. Last evaluated: 2024-05-14. Review status: criteria provided, single submitter. Criteria: ACMG Guidelines, 2015. Collection method: clinical testing. Allele origin: germline. Inheritance: Autosomal dominant inheritance. Observed: 6 variant alleles, 6 heterozygotes.
Comment: This study involves interpretation of variants in research participants for the purpose of population health screening. Participant phenotype was not available at the time of variant classification. Additional details can be found in publication PMID: 35346344, PMCID: PMC8962531

Ambry Genetics
Classification: Likely benign for Familial thoracic aortic aneurysm and aortic dissection. Last evaluated: 2021-04-07. Review status: criteria provided, single submitter. Criteria: Ambry Variant Classification Scheme 2023. Collection method: clinical testing. Allele origin: germline.

Color Diagnostics, LLC DBA Color Health
Classification: Likely benign for Familial thoracic aortic aneurysm and aortic dissection. Last evaluated: 2019-10-07. Review status: criteria provided, single submitter. Criteria: ACMG Guidelines, 2015. Collection method: clinical testing. Allele origin: germline.